The following is an entry in ClinVar:

ClinVar aggregate classification (germline): Pathogenic/Likely pathogenic. Review status: criteria provided, multiple submitters, no conflicts (2 of 4 stars). 2 submissions from 2 submitters: Pathogenic (1); Likely pathogenic (1). Last evaluated 2025-07-07.

Conditions:
Marfan syndrome (MFS). Also called: Marfan syndrome, classic; FBN1-Related Marfan Syndrome; Marfan syndrome type 1; Marfan's syndrome; MARFAN SYNDROME, TYPE I. Identifiers: Orphanet 284963, Orphanet 558, MedGen C0024796, MONDO:0007947, OMIM 154700.

Submissions (2):

GeneDx
Classification: Pathogenic. Last evaluated: 2025-07-07. Review status: criteria provided, single submitter. Criteria: GeneDx Variant Classification Process June 2021. Collection method: clinical testing. Allele origin: germline. Affected: yes.
Comment: Canonical splice site variant predicted to result in a null allele in a gene for which loss of function is a known mechanism of disease; Not observed at significant frequency in large population cohorts (gnomAD); Has not been previously published as pathogenic or benign to our knowledge

Laboratory for Molecular Medicine, Mass General Brigham Personalized Medicine
Classification: Likely pathogenic for Marfan syndrome. Last evaluated: 2013-05-23. Review status: criteria provided, single submitter. Criteria: LMM Criteria. Collection method: clinical testing. Allele origin: germline. Inheritance: Autosomal dominant inheritance. Observed: 1 variant allele.
Comment: The 164+2T>C variant in FBN1 has not been previously reported in individuals wit h Marfan syndrome or in large population studies. However, another variant (164+ 1G>A) affecting the same donor splice site has been identified in a patient with an incomplete form of Marfan syndrome (Comeglio 2007). This variant occurs in t he invariant region (+/- 1,2) of the splice consensus sequence and is predicted to cause altered splicing leading to an abnormal or absent protein. In summary, this variant is likely to be pathogenic, though additional studies are required to fully establish its clinical significance.

Literature cited by the submitters: PubMed 17657824 (cited by Laboratory for Molecular Medicine, Mass General Brigham Personalized Medicine).

NM_000138.5(FBN1):c.164+2T>C

Gene: FBN1 (fibrillin 1; minus strand). Cytogenetic location: 15q21.1.
Variant type: single nucleotide variant.
Coding change: c.164+2T>C on transcript NM_000138.5 (MANE Select); the canonical splice donor site of the intron after coding-DNA position 164, T replaced by C.
Molecular consequence: splice donor variant.
Genome position (GRCh38, 1-based): chr15:48,644,604, A>G on the plus strand (T>C on the coding strand, the complement: FBN1 is on the minus strand). VCF-style: chr15-48644604-A-G. GRCh37 (hg19) VCF-style: chr15-48936801-A-G.
Other names: c.164+2T>C (NM_001406716.1, NM_001406717.1, NM_001406718.1).
Identifiers: ClinVar variation 163485 (VCV000163485.5), dbSNP rs727503058, ClinGen allele CA012372.